The following is an entry in ClinVar:

NM_139057.4(ADAMTS17):c.371T>G (p.Leu124Arg)

Gene: ADAMTS17 (ADAM metallopeptidase with thrombospondin type 1 motif 17; minus strand). Cytogenetic location: 15q26.3.
Variant type: single nucleotide variant.
Coding change: c.371T>G on transcript NM_139057.4 (MANE Select); coding-DNA position 371, T replaced by G.
Protein change: p.Leu124Arg; replaces leucine 124 with arginine.
Molecular consequence: missense variant.
Genome position (GRCh38, 1-based): chr15:100,341,118, A>C on the plus strand (T>G on the coding strand, the complement: ADAMTS17 is on the minus strand). VCF-style: chr15-100341118-A-C. GRCh37 (hg19) VCF-style: chr15-100881323-A-C.
Other names: short protein forms L124R.
Identifiers: ClinVar variation 2749989 (VCV002749989.3), dbSNP rs2548992670, ClinGen allele CA394524837.

ClinVar aggregate classification (germline): Uncertain significance (1 of 4 stars; one submission).

Submission:

Labcorp Genetics (formerly Invitae), Labcorp
Classification: Uncertain significance. Last evaluated: 2025-10-02. Review status: criteria provided, single submitter. Criteria: Invitae Variant Classification Sherloc (09022015). Collection method: clinical testing. Allele origin: germline.
Comment: This sequence change replaces leucine, which is neutral and non-polar, with arginine, which is basic and polar, at codon 124 of the ADAMTS17 protein (p.Leu124Arg). This variant is not present in population databases (gnomAD no frequency). This variant has not been reported in the literature in individuals affected with ADAMTS17-related conditions. ClinVar contains an entry for this variant (Variation ID: 2749989). An algorithm developed to predict the effect of missense changes on protein structure and function outputs the following: PolyPhen-2: "Benign". The arginine amino acid residue is found in multiple mammalian species, which suggests that this missense change does not adversely affect protein function. In summary, the available evidence is currently insufficient to determine the role of this variant in disease. Therefore, it has been classified as a Variant of Uncertain Significance.